The following is an entry in ClinVar:

NM_153717.3(EVC):c.1045del (p.Arg349fs)

Gene: EVC (EvC ciliary complex subunit 1; plus strand). Cytogenetic location: 4p16.2.
Variant type: Deletion.
Coding change: c.1045del on transcript NM_153717.3 (MANE Select); coding-DNA position 1045, one base deleted (A; older notation c.1045delA).
Protein change: p.Arg349fs; shifts the reading frame from arginine 349.
Molecular consequence: frameshift variant.
Genome position (GRCh38, 1-based): chr4:5,748,253, A deleted; the last of 3 consecutive A bases (chr4:5,748,251-5,748,253); deleting any one gives the same sequence. VCF-style (leftmost placement, unchanged base first): chr4-5748250-GA-G. GRCh37 (hg19) VCF-style: chr4-5749977-GA-G.
Other names: c.1045del, p.Arg349fs (NM_001306090.2, NM_001306092.2); short protein forms R349fs.
Identifiers: ClinVar variation 5013274 (VCV005013274.1).

ClinVar aggregate classification (germline): Pathogenic (1 of 4 stars; one submission).

Conditions:
Ellis-van Creveld syndrome (EVC). Also called: MESOECTODERMAL DYSPLASIA; Chondroectodermal dysplasia. Identifiers: Orphanet 289, MedGen C0013903, MONDO:0009162, OMIM 225500.

Submission:

Myriad Genetics, Inc.
Classification: Pathogenic for Ellis-van Creveld syndrome. Last evaluated: 2024-07-03. Review status: criteria provided, single submitter. Criteria: Myriad Autosomal Dominant, Autosomal Recessive and X-Linked Classification Criteria (2023). Collection method: clinical testing. Allele origin: unknown.
Comment: NM_153717.2(EVC):c.1045delA(R349Efs*2) is expected to be pathogenic in the context of EVC-related Ellis-van Creveld syndrome. This variant is predicted to lead to an abnormal or absent protein product due to the creation of a premature termination codon in EVC, a gene where loss-of-function variants are known to be pathogenic. Please note: this variant was assessed in the context of healthy population screening.